The following is an entry in ClinVar:

ClinVar aggregate classification (germline): Uncertain significance (1 of 4 stars; one submission).

Submission:

Dasa
Classification: Uncertain significance. Last evaluated: 2024-12-20. Review status: criteria provided, single submitter. Criteria: DASA Assertion Criteria. Collection method: clinical testing. Allele origin: germline.
Comment: NM_000726.5(CACNB4):c.478A>G (p.Ile160Val) is a missense variant that results in the substitution of isoleucine with valine. This variant is absent from population databases. The currently available literature and clinical evidence are not sufficient to establish a definitive association between this variant and the reported condition. Therefore, this variant is classified as a variant of uncertain significance.

NM_000726.5(CACNB4):c.478A>G (p.Ile160Val)

Gene: CACNB4 (calcium voltage-gated channel auxiliary subunit beta 4; minus strand). Cytogenetic location: 2q23.3.
Variant type: single nucleotide variant.
Coding change: c.478A>G on transcript NM_000726.5 (MANE Select); coding-DNA position 478, A replaced by G.
Protein change: p.Ile160Val; replaces isoleucine 160 with valine.
Molecular consequence: missense variant. On other transcripts: 5 prime UTR variant (2).
Genome position (GRCh38, 1-based): chr2:151,876,469, T>C on the plus strand (A>G on the coding strand, the complement: CACNB4 is on the minus strand). VCF-style: chr2-151876469-T-C. GRCh37 (hg19) VCF-style: chr2-152732983-T-C.
Other names: c.424A>G, p.Ile142Val (NM_001005746.4, NM_001330113.2); c.376A>G, p.Ile126Val (NM_001005747.4, NM_001330115.2); c.478A>G, p.Ile160Val (NM_001145798.3); c.337A>G, p.Ile113Val (NM_001320722.3, NM_001330116.2, NM_001330118.2); c.-157A>G (NM_001330114.2); c.-81A>G (NM_001330117.2); short protein forms I113V, I126V, I142V, I160V.
Identifiers: ClinVar variation 4882045 (VCV004882045.2).
Genomic context (GRCh38, chr2:151,876,469, plus strand): 5'-AAAAGATGGGAACGTACCCTCCGTGAAAACGTCCTCTTTTTTGTTCTTGCTGGATCCGTA[T>C]GTTCTCCAATCTGAGTGGACTTGGAATGAAGCCAATTTCACAGCCCTCTTTCACCAGCCT-3'
Protein context (NP_000717.2, residues 150-170): FIPSPLRLEN[Ile160Val]RIQQEQKRGR